The following is an entry in ClinVar:

ClinVar aggregate classification (germline): Uncertain significance (1 of 4 stars; one submission).

Conditions:
TH-deficient dopa-responsive dystonia. Also called: Tyrosine Hydroxylase-Deficient Dopa-Responsive Dystonia; Segawa syndrome, autosomal recessive; DYT-TH. Identifiers: Orphanet 101150, MedGen C2673535, MONDO:0011551, OMIM 605407.

Allele frequency attached by ClinVar (database versions not stated): TOPMed below 0.00001; ExAC 0.00002.
gnomAD v4.1: 2 of 1,595,596 alleles (0.00013%); highest among the groups gnomAD compares: East Asian, 0.0045%; no homozygotes.

Submission:

Labcorp Genetics (formerly Invitae), Labcorp
Classification: Uncertain significance for TH-deficient dopa-responsive dystonia. Last evaluated: 2022-03-16. Review status: criteria provided, single submitter. Criteria: Invitae Variant Classification Sherloc (09022015). Collection method: clinical testing. Allele origin: germline.
Comment: This sequence change replaces alanine, which is neutral and non-polar, with valine, which is neutral and non-polar, at codon 287 of the TH protein (p.Ala287Val). The frequency data for this variant in the population databases is considered unreliable, as metrics indicate poor data quality at this position in the gnomAD database. This variant has not been reported in the literature in individuals affected with TH-related conditions. Algorithms developed to predict the effect of missense changes on protein structure and function (SIFT, PolyPhen-2, Align-GVGD) all suggest that this variant is likely to be tolerated. In summary, the available evidence is currently insufficient to determine the role of this variant in disease. Therefore, it has been classified as a Variant of Uncertain Significance.

NM_000360.4(TH):c.767C>T (p.Ala256Val)

Gene: TH (tyrosine hydroxylase; minus strand). Cytogenetic location: 11p15.5.
Variant type: single nucleotide variant.
Coding change: c.767C>T on transcript NM_000360.4 (MANE Select); coding-DNA position 767, C replaced by T.
Protein change: p.Ala256Val; replaces alanine 256 with valine.
Molecular consequence: missense variant.
Genome position (GRCh38, 1-based): chr11:2,166,961, G>A on the plus strand (C>T on the coding strand, the complement: TH is on the minus strand). VCF-style: chr11-2166961-G-A. GRCh37 (hg19) VCF-style: chr11-2188191-G-A.
Other names: c.860C>T, p.Ala287Val (NM_199292.3); c.848C>T, p.Ala283Val (NM_199293.3); short protein forms A283V, A287V, A256V.
Identifiers: ClinVar variation 2112935 (VCV002112935.4), dbSNP rs757377732, ClinGen allele CA5818495.
Genomic context (GRCh38, chr11:2,166,961, plus strand): 5'-GAGACGTCCTCCAGCTGGGGGATATTGTCTTCCCGGTAGCCGCTGAAGCGCTCCAGCAAA[G>A]CAAAGGCCTCCAGGTGCTCCCCGCAGGCGTGCGTGGCGTAGAGGCCCTTCAGCGTGGTGT-3'
Protein context (NP_000351.2, residues 246-266): HACGEHLEAF[Ala256Val]LLERFSGYRE